The following is an entry in ClinVar:

NM_003242.6(TGFBR2):c.1525-6C>G

Gene: TGFBR2 (transforming growth factor beta receptor 2; plus strand). Cytogenetic location: 3p24.1.
Variant type: single nucleotide variant.
Coding change: c.1525-6C>G on transcript NM_003242.6 (MANE Select); 6 bases into the intron before coding-DNA position 1525, C replaced by G.
Molecular consequence: intron variant.
Genome position (GRCh38, 1-based): chr3:30,691,414, C>G. VCF-style: chr3-30691414-C-G. GRCh37 (hg19) VCF-style: chr3-30732906-C-G.
Other names: c.1708-6C>G (NM_001407126.1); c.1600-6C>G (NM_001024847.3); c.655-6C>G (NM_001407139.1); c.1240-6C>G (NM_001407137.1); c.1420-6C>G (NM_001407135.1, NM_001407134.1, NM_001407132.1 and 2 more transcripts); c.1633-6C>G (NM_001407127.1); c.1522-6C>G (NM_001407130.1); c.1165-6C>G (NM_001407138.1); and 2 more.
Identifiers: ClinVar variation 511419 (VCV000511419.15), dbSNP rs748388518, ClinGen allele CA046987.

ClinVar aggregate classification (germline): Likely benign. Review status: criteria provided, multiple submitters, no conflicts (2 of 4 stars). 6 submissions from 6 submitters: Likely benign (6). Last evaluated 2025-12-10.

Conditions:
Loeys-Dietz syndrome 2 (LDS2). Also called: AORTIC ANEURYSM, FAMILIAL THORACIC 3; MARFAN SYNDROME, TYPE II; Marfan syndrome, type 2 (formerly); TGFBR2-Related Loeys-Dietz Syndrome; Marfan Syndrome type 2; Marfan like connective tissue disorder. Identifiers: Orphanet 284973, Orphanet 558, MedGen C2674574, MONDO:0012427, OMIM 610168.
Familial thoracic aortic aneurysm and aortic dissection (TAAD). Also called: Thoracic aortic aneurysms and dissections. Identifiers: Orphanet 91387, MedGen C4707243, MONDO:0019625.

Allele frequency attached by ClinVar (database versions not stated): ExAC 0.00001; gnomAD 0.00001; gnomAD exomes 0.00001 and 0.00002; TOPMed 0.00002.
gnomAD v4.1: 36 of 1,613,826 alleles (0.0022%); highest among the groups gnomAD compares: Non-Finnish European, 0.0031%; no homozygotes.

Submissions (6):

Labcorp Genetics (formerly Invitae), Labcorp
Classification: Likely benign for Familial thoracic aortic aneurysm and aortic dissection. Last evaluated: 2025-12-10. Review status: criteria provided, single submitter. Criteria: Invitae Variant Classification Sherloc (09022015). Collection method: clinical testing. Allele origin: germline.

Women's Health and Genetics/Laboratory Corporation of America, LabCorp
Classification: Likely benign. Last evaluated: 2025-04-29. Review status: criteria provided, single submitter. Criteria: LabCorp Variant Classification Summary - May 2015. Collection method: clinical testing. Allele origin: germline.
Comment: Variant summary: TGFBR2 c.1525-6C>G alters a nucleotide located at a position not widely known to affect splicing. Consensus agreement among computation tools predict no significant impact on normal splicing. However, these predictions have yet to be confirmed by functional studies. The variant allele was found at a frequency of 8e-06 in 250424 control chromosomes (gnomAD). The available data on variant occurrences in the general population are insufficient to allow any conclusion about variant significance. To our knowledge, no occurrence of c.1525-6C>G in individuals affected with Loeys-Dietz Syndrome and no experimental evidence demonstrating its impact on protein function have been reported. ClinVar contains an entry for this variant (Variation ID: 511419). Based on the evidence outlined above, the variant was classified as likely benign.

All of Us Research Program, National Institutes of Health
Classification: Likely benign for Loeys-Dietz syndrome 2. Last evaluated: 2023-12-13. Review status: criteria provided, single submitter. Criteria: ACMG Guidelines, 2015. Collection method: clinical testing. Allele origin: germline. Inheritance: Autosomal dominant inheritance. Observed: 4 variant alleles, 4 heterozygotes.
Comment: This study involves interpretation of variants in research participants for the purpose of population health screening. Participant phenotype was not available at the time of variant classification. Additional details can be found in publication PMID: 35346344, PMCID: PMC8962531

Blueprint Genetics
Classification: Likely benign. Last evaluated: 2022-07-15. Review status: criteria provided, single submitter. Criteria: ACMG Guidelines, 2015. Collection method: clinical testing. Allele origin: germline.

Color Diagnostics, LLC DBA Color Health
Classification: Likely benign for Familial thoracic aortic aneurysm and aortic dissection. Last evaluated: 2018-11-16. Review status: criteria provided, single submitter. Criteria: ACMG Guidelines, 2015. Collection method: clinical testing. Allele origin: germline.

GeneDx
Classification: Likely benign. Last evaluated: 2017-08-08. Review status: criteria provided, single submitter. Criteria: GeneDx Variant Classification (06012015). Collection method: clinical testing. Allele origin: germline. Affected: yes.
Comment: This variant is considered likely benign or benign based on one or more of the following criteria: it is a conservative change, it occurs at a poorly conserved position in the protein, it is predicted to be benign by multiple in silico algorithms, and/or has population frequency not consistent with disease.